The following is an entry in ClinVar:

ClinVar aggregate classification (germline): Uncertain significance (1 of 4 stars; one submission).

Conditions:
Epidermolysis bullosa simplex 5C, with pyloric atresia (EBS5C). Also called: PLEC-Related Epidermolysis Bullosa with Pyloric Atresia; Epidermolysis bullosa simplex with pyloric atresia; PLEC1-Related Epidermolysis Bullosa with Pyloric Atresia. Identifiers: Orphanet 158684, MedGen C2677349, MONDO:0012807, OMIM 612138.
Epidermolysis bullosa simplex 5B, with muscular dystrophy (EBS5B). Also called: EPIDERMOLYSIS BULLOSA SIMPLEX AND LIMB-GIRDLE MUSCULAR DYSTROPHY; Epidermolysis bullosa simplex with muscular dystrophy. Identifiers: Orphanet 257, MedGen C2931072, MONDO:0009181, OMIM 226670.
Epidermolysis bullosa simplex, Ogna type (EBS5A). Also called: Pidermolysis bullosa simplex 5A, Ogna type; EPIDERMOLYSIS BULLOSA SIMPLEX 5A, OGNA TYPE. Identifiers: Orphanet 79401, MedGen C0432317, MONDO:0007555, OMIM 131950.
Autosomal recessive limb-girdle muscular dystrophy type 2Q (LGMDR17). Also called: MUSCULAR DYSTROPHY, LIMB-GIRDLE, AUTOSOMAL RECESSIVE 17. Identifiers: Orphanet 254361, MedGen C3150989, MONDO:0013390, OMIM 613723.
Epidermolysis bullosa simplex with nail dystrophy (EBS5D). Identifiers: MedGen C4225309, MONDO:0014661, OMIM 616487.

Submission:

Labcorp Genetics (formerly Invitae), Labcorp
Classification: Uncertain significance for Autosomal recessive limb-girdle muscular dystrophy type 2Q; Epidermolysis bullosa simplex, Ogna type; Epidermolysis bullosa simplex with nail dystrophy; Epidermolysis bullosa simplex 5C, with pyloric atresia; Epidermolysis bullosa simplex 5B, with muscular dystrophy. Last evaluated: 2021-08-06. Review status: criteria provided, single submitter. Criteria: Invitae Variant Classification Sherloc (09022015). Collection method: clinical testing. Allele origin: germline.
Comment: This variant is not present in population databases (ExAC no frequency). This variant has not been reported in the literature in individuals affected with PLEC-related conditions. Algorithms developed to predict the effect of missense changes on protein structure and function output the following: SIFT: "Deleterious"; PolyPhen-2: "Benign"; Align-GVGD: "Class C0". The aspartic acid amino acid residue is found in multiple mammalian species, which suggests that this missense change does not adversely affect protein function. In summary, the available evidence is currently insufficient to determine the role of this variant in disease. Therefore, it has been classified as a Variant of Uncertain Significance. This sequence change replaces glutamic acid with aspartic acid at codon 2140 of the PLEC protein (p.Glu2140Asp). The glutamic acid residue is highly conserved and there is a small physicochemical difference between glutamic acid and aspartic acid.

NM_201384.3(PLEC):c.6339G>C (p.Glu2113Asp)

Gene: PLEC (plectin; minus strand). Cytogenetic location: 8q24.3.
Variant type: single nucleotide variant.
Coding change: c.6339G>C on transcript NM_201384.3 (MANE Select); coding-DNA position 6339, G replaced by C.
Protein change: p.Glu2113Asp; replaces glutamic acid 2113 with aspartic acid.
Molecular consequence: missense variant.
Genome position (GRCh38, 1-based): chr8:143,923,590, C>G on the plus strand (G>C on the coding strand, the complement: PLEC is on the minus strand). VCF-style: chr8-143923590-C-G. GRCh37 (hg19) VCF-style: chr8-144997758-C-G.
Other names: c.6243G>C, p.Glu2081Asp (NM_201381.3); c.6339G>C, p.Glu2113Asp (NM_201382.4); c.6351G>C, p.Glu2117Asp (NM_201383.3); c.6420G>C, p.Glu2140Asp (NM_000445.5); c.6297G>C, p.Glu2099Asp (NM_201378.4); c.6273G>C, p.Glu2091Asp (NM_201379.3); c.6750G>C, p.Glu2250Asp (NM_201380.4); short protein forms E2081D, E2117D, E2140D, E2250D, E2091D, E2099D, E2113D.
Identifiers: ClinVar variation 1372869 (VCV001372869.6), dbSNP rs2131337889, ClinGen allele CA372535361.